The following is an entry in ClinVar:

NM_005739.4(RASGRP1):c.652T>A (p.Phe218Ile)

Gene: RASGRP1 (RAS guanyl releasing protein 1; minus strand). Cytogenetic location: 15q14.
Variant type: single nucleotide variant.
Coding change: c.652T>A on transcript NM_005739.4 (MANE Select); coding-DNA position 652, T replaced by A.
Protein change: p.Phe218Ile; replaces phenylalanine 218 with isoleucine.
Molecular consequence: missense variant.
Genome position (GRCh38, 1-based): chr15:38,516,220, A>T on the plus strand (T>A on the coding strand, the complement: RASGRP1 is on the minus strand). VCF-style: chr15-38516220-A-T. GRCh37 (hg19) VCF-style: chr15-38808421-A-T.
Other names: c.652T>A, p.Phe218Ile (NM_001128602.2, NM_001306086.2); short protein forms F218I.
Identifiers: ClinVar variation 3649105 (VCV003649105.2).

ClinVar aggregate classification (germline): Uncertain significance (1 of 4 stars; one submission).

Submission:

Labcorp Genetics (formerly Invitae), Labcorp
Classification: Uncertain significance. Last evaluated: 2024-04-07. Review status: criteria provided, single submitter. Criteria: Invitae Variant Classification Sherloc (09022015). Collection method: clinical testing. Allele origin: germline.
Comment: This sequence change replaces phenylalanine, which is neutral and non-polar, with isoleucine, which is neutral and non-polar, at codon 218 of the RASGRP1 protein (p.Phe218Ile). This variant is not present in population databases (gnomAD no frequency). This variant has not been reported in the literature in individuals affected with RASGRP1-related conditions. Advanced modeling of protein sequence and biophysical properties (such as structural, functional, and spatial information, amino acid conservation, physicochemical variation, residue mobility, and thermodynamic stability) performed at Invitae indicates that this missense variant is expected to disrupt RASGRP1 protein function with a positive predictive value of 80%. In summary, the available evidence is currently insufficient to determine the role of this variant in disease. Therefore, it has been classified as a Variant of Uncertain Significance.